The following is an entry in ClinVar:

NM_001035.3(RYR2):c.13018G>A (p.Asp4340Asn)

Genes: RYR2 (ryanodine receptor 2; plus strand), LOC126806068 (BRD4-independent group 4 enhancer GRCh37_chr1:237947411-237948610; plus strand). Cytogenetic location: 1q43.
Variant type: single nucleotide variant.
Coding change: c.13018G>A on transcript NM_001035.3 (MANE Select); coding-DNA position 13018, G replaced by A.
Protein change: p.Asp4340Asn; replaces aspartic acid 4340 with asparagine.
Molecular consequence: missense variant.
Genome position (GRCh38, 1-based): chr1:237,784,730, G>A. VCF-style: chr1-237784730-G-A. GRCh37 (hg19) VCF-style: chr1-237948030-G-A.
Other names: short protein forms D4340N.
Identifiers: ClinVar variation 2831515 (VCV002831515.3), dbSNP rs2527797347, ClinGen allele CA345415022.
Genomic context (GRCh38, chr1:237,784,730, plus strand): 5'-GAAGGTGCTAAAAAGATCAAAGTTGCAGAACTGTTAGCCAACATGCCAGACCCCACTCAG[G>A]ATGAGGTTAGAGGAGATGGGGAGGAGGGAGAGAGGAAACCCCTGGAAGCCGCCCTGCCCT-3'
Protein context (NP_001026.2, residues 4330-4350): LLANMPDPTQ[Asp4340Asn]EVRGDGEEGE

ClinVar aggregate classification (germline): Uncertain significance (1 of 4 stars; one submission).

Conditions:
Catecholaminergic polymorphic ventricular tachycardia 1. Also called: VENTRICULAR TACHYCARDIA, CATECHOLAMINERGIC POLYMORPHIC, 1, WITH OR WITHOUT ATRIAL DYSFUNCTION AND/OR DILATED CARDIOMYOPATHY; VENTRICULAR TACHYCARDIA, STRESS-INDUCED POLYMORPHIC 1; RYR2-Related Catecholaminergic Polymorphic Ventricular Tachycardia. Identifiers: Orphanet 3286, MedGen C1631597, MONDO:0011484, OMIM 604772.

Submission:

Labcorp Genetics (formerly Invitae), Labcorp
Classification: Uncertain significance for Catecholaminergic polymorphic ventricular tachycardia 1. Last evaluated: 2023-05-19. Review status: criteria provided, single submitter. Criteria: Invitae Variant Classification Sherloc (09022015). Collection method: clinical testing. Allele origin: germline.
Comment: This sequence change replaces aspartic acid, which is acidic and polar, with asparagine, which is neutral and polar, at codon 4340 of the RYR2 protein (p.Asp4340Asn). This variant is not present in population databases (gnomAD no frequency). This variant has not been reported in the literature in individuals affected with RYR2-related conditions. Advanced modeling of protein sequence and biophysical properties (such as structural, functional, and spatial information, amino acid conservation, physicochemical variation, residue mobility, and thermodynamic stability) has been performed at Invitae for this missense variant, however the output from this modeling did not meet the statistical confidence thresholds required to predict the impact of this variant on RYR2 protein function. In summary, the available evidence is currently insufficient to determine the role of this variant in disease. Therefore, it has been classified as a Variant of Uncertain Significance.